The following is an entry in ClinVar:

NM_001126108.2(SLC12A3):c.2516A>T (p.Asp839Val)

Gene: SLC12A3 (solute carrier family 12 member 3; plus strand). Cytogenetic location: 16q13.
Variant type: single nucleotide variant.
Coding change: c.2516A>T on transcript NM_001126108.2 (MANE Select); coding-DNA position 2516, A replaced by T.
Protein change: p.Asp839Val; replaces aspartic acid 839 with valine.
Molecular consequence: missense variant.
Genome position (GRCh38, 1-based): chr16:56,893,049, A>T. VCF-style: chr16-56893049-A-T. GRCh37 (hg19) VCF-style: chr16-56926961-A-T.
Other names: c.2543A>T, p.Asp848Val (NM_000339.3); c.2540A>T, p.Asp847Val (NM_001126107.2); short protein forms D839V, D847V, D848V.
Identifiers: ClinVar variation 1012270 (VCV001012270.6), dbSNP rs1467657889, ClinGen allele CA395996459.

ClinVar aggregate classification (germline): Conflicting classifications of pathogenicity. Review status: criteria provided, conflicting classifications (1 of 4 stars). 3 submissions from 3 submitters: Likely pathogenic (1); Uncertain significance (1). 1 of the submissions does not count toward it. Last evaluated 2022-11-30.

Conditions:
Familial hypokalemia-hypomagnesemia (GTLMNS). Also called: POTASSIUM AND MAGNESIUM DEPLETION; gitelman syndrome; HYPOMAGNESEMIA-HYPOKALEMIA, PRIMARY RENOTUBULAR, WITH HYPOCALCIURIA. Identifiers: Orphanet 358, MedGen C0268450, MONDO:0009904, OMIM 263800.

Allele frequency attached by ClinVar (database versions not stated): gnomAD 0.00001; gnomAD exomes below 0.00001.
gnomAD v4.1: 2 of 1,613,590 alleles (0.00012%); highest among the groups gnomAD compares: East Asian, 0.0022%; no homozygotes.

Submissions (3):

Labcorp Genetics (formerly Invitae), Labcorp
Classification: Likely pathogenic. Last evaluated: 2022-11-30. Review status: criteria provided, single submitter. Criteria: Invitae Variant Classification Sherloc (09022015). Collection method: clinical testing. Allele origin: germline.
Comment: This missense change has been observed in individual(s) with Gitelman syndrome (PMID: 34046503). This variant is present in population databases (no rsID available, gnomAD 0.06%). This sequence change replaces aspartic acid, which is acidic and polar, with valine, which is neutral and non-polar, at codon 848 of the SLC12A3 protein (p.Asp848Val). This variant is also known as c.2516A>T, p.Asp839Val. In summary, the currently available evidence indicates that the variant is pathogenic, but additional data are needed to prove that conclusively. Therefore, this variant has been classified as Likely Pathogenic. This variant disrupts the p.Asp848 amino acid residue in SLC12A3. Other variant(s) that disrupt this residue have been determined to be pathogenic (PMID: 16837915, 31183353, 33348466). This suggests that this residue is clinically significant, and that variants that disrupt this residue are likely to be disease-causing. Advanced modeling of protein sequence and biophysical properties (such as structural, functional, and spatial information, amino acid conservation, physicochemical variation, residue mobility, and thermodynamic stability) performed at Invitae indicates that this missense variant is expected to disrupt SLC12A3 protein function. ClinVar contains an entry for this variant (Variation ID: 1012270).

3billion
Classification: Uncertain significance for Familial hypokalemia-hypomagnesemia. Last evaluated: 2022-09-01. Review status: criteria provided, single submitter. Criteria: ACMG Guidelines, 2015. Collection method: clinical testing. Allele origin: germline. Affected: yes. Observed: 1 heterozygote.
Comment: This missense variant is observed at an extremely low frequency in the gnomAD v2.1.1 dataset (total allele frequency: 0.003%). In silico tool predictions suggest damaging effect of the variant on gene or gene product (REVEL: 0.85; 3Cnet: 0.84). Therefore, this variant is classified as uncertain significance according to the recommendation of ACMG/AMP guideline.

Department of Traditional Chinese Medicine, Fujian Provincial Hospital
Classification: Uncertain significance for Gitelman Syndrome. Last evaluated: 2021-02-03. Review status: no assertion criteria provided. Collection method: research. Allele origin: unknown. Inheritance: X-linked recessive inheritance. Not counted in ClinVar's aggregate classification.
Comment: This mutation may cause structural changes of NCCT that destroy its biological effects, affect its reabsorption ability, and lead to electrolyte disorders. A functional deletion mutation of SLC12A3 encoding thiazide-sensitive NaCl cotransporter (NCCT) located in the distal convoluted tubules (DCT) of the kidney, which leads to dysfunction of sodium chloride reabsorption by the DCT, resulting in a series of pathophysiological changes and clinical manifestations such as hypovolemia, renin angiotensin aldosterone system (RAAS) activation, hypokalemia, and metabolic alkalosis. Several suspected pathogenic mutations were found near our newly discovered heterozygous mutant of Asp839Val (c.2516A>T): C.2490C>T (p.Thr830=), c.2495A>G (p.Asp832Gly), c.2532G>A (p.Trp844Ter), c.2510_2511del (p.Leu836_Phe837insTer), c.2514C>T (p.Asp838=), c.2521G>A (p.Gly841Ser), c.2533del (p.Leu845fs), and c.2546T>A (p.Leu849His). These mutations can lead to protein product deletion or destruction, and we speculate that since c.2516Aï¼žT(p. Asp839Val) is located in this region, it may also be a pathogenic mutation.

Literature cited by the submitters: PubMed 34046503 (cited by Labcorp Genetics (formerly Invitae), Labcorp); PubMed 16837915 (cited by Labcorp Genetics (formerly Invitae), Labcorp); PubMed 31183353 (cited by Labcorp Genetics (formerly Invitae), Labcorp); PubMed 33348466 (cited by Labcorp Genetics (formerly Invitae), Labcorp); DOI 10.1186/s12882-019-1590-9 (cited by Department of Traditional Chinese Medicine, Fujian Provincial Hospital).